The following is an entry in ClinVar:

ClinVar aggregate classification (germline): Pathogenic (1 of 4 stars; one submission).

Conditions:
Inborn genetic diseases. Identifiers: MedGen C0950123, MeSH D030342.

Submission:

Ambry Genetics
Classification: Pathogenic for Inborn genetic diseases. Last evaluated: 2021-02-05. Review status: criteria provided, single submitter. Criteria: Ambry Variant Classification Scheme 2023. Collection method: clinical testing. Allele origin: germline.
Comment: The c.706C>T (p.Q236*) alteration, located in exon 5 (coding exon 4) of the SOX6 gene, consists of a C to T substitution at nucleotide position 706. This changes the amino acid from a glutamine (Q) to a stop codon at amino acid position 236. This alteration is expected to result in loss of function by premature protein truncation or nonsense-mediated mRNA decay. Based on data from the Genome Aggregation Database (gnomAD), the SOX6 c.706C>T alteration was not observed, with coverage at this position. Based on the available evidence, this alteration is classified as pathogenic.

NM_001367873.1(SOX6):c.706C>T (p.Gln236Ter)

Gene: SOX6 (SRY-box transcription factor 6; minus strand). Cytogenetic location: 11p15.2.
Variant type: single nucleotide variant.
Coding change: c.706C>T on transcript NM_001367873.1 (MANE Select); coding-DNA position 706, C replaced by T.
Protein change: p.Gln236Ter; replaces glutamine 236 with a stop codon.
Molecular consequence: nonsense.
Genome position (GRCh38, 1-based): chr11:16,186,785, G>A on the plus strand (C>T on the coding strand, the complement: SOX6 is on the minus strand). VCF-style: chr11-16186785-G-A. GRCh37 (hg19) VCF-style: chr11-16208331-G-A.
Other names: c.706C>T, p.Gln236Ter (NM_001145811.2, NM_001145819.2, NM_001367872.1 and 2 more transcripts); short protein forms Q236*.
Identifiers: ClinVar variation 985593 (VCV000985593.4), dbSNP rs1851490729, ClinGen allele CA379877688.